The following is an entry in ClinVar:

NM_000642.3(AGL):c.1255G>A (p.Val419Ile)

Gene: AGL (amylo-alpha-1,6-glucosidase and 4-alpha-glucanotransferase; plus strand). Cytogenetic location: 1p21.2.
Variant type: single nucleotide variant.
Coding change: c.1255G>A on transcript NM_000642.3 (MANE Select); coding-DNA position 1255, G replaced by A.
Protein change: p.Val419Ile; replaces valine 419 with isoleucine.
Molecular consequence: missense variant.
Genome position (GRCh38, 1-based): chr1:99,875,427, G>A. VCF-style: chr1-99875427-G-A. GRCh37 (hg19) VCF-style: chr1-100340983-G-A.
Other names: c.1255G>A, p.Val419Ile (NM_000028.3, NM_000643.3, NM_000644.3 and 2 more transcripts); c.1051G>A, p.Val351Ile (NM_001425329.1, NM_001425328.1); c.877G>A, p.Val293Ile (NM_001425332.1); c.1207G>A, p.Val403Ile (NM_000646.3); short protein forms V403I, V419I, V293I, V351I.
Identifiers: ClinVar variation 1163740 (VCV001163740.12), dbSNP rs1236981513, ClinGen allele CA341345605.

ClinVar aggregate classification (germline): Uncertain significance. Review status: criteria provided, multiple submitters, no conflicts (2 of 4 stars). 3 submissions from 3 submitters: Uncertain significance (3). Last evaluated 2023-04-11.

Conditions:
Glycogen storage disease type III (GSD3). Also called: Cori disease; FORBES DISEASE. Identifiers: Orphanet 366, MedGen C0017922, MONDO:0009291, OMIM 232400.

Allele frequency attached by ClinVar (database versions not stated): gnomAD exomes below 0.00001; gnomAD 0.00001.
gnomAD v4.1: 2 of 1,613,952 alleles (0.00012%); highest among the groups gnomAD compares: African/African-American, 0.0013%; no homozygotes.

Submissions (3):

Genome-Nilou Lab
Classification: Uncertain significance for Glycogen storage disease type III. Last evaluated: 2023-04-11. Review status: criteria provided, single submitter. Criteria: ACMG Guidelines, 2015. Collection method: clinical testing. Allele origin: germline. Affected: no.

Labcorp Genetics (formerly Invitae), Labcorp
Classification: Uncertain significance for Glycogen storage disease type III. Last evaluated: 2021-03-22. Review status: criteria provided, single submitter. Criteria: Invitae Variant Classification Sherloc (09022015). Collection method: clinical testing. Allele origin: germline.
Comment: This sequence change replaces valine with isoleucine at codon 419 of the AGL protein (p.Val419Ile). The valine residue is moderately conserved and there is a small physicochemical difference between valine and isoleucine. This variant is not present in population databases (ExAC no frequency). This variant has not been reported in the literature in individuals with AGL-related conditions. Algorithms developed to predict the effect of missense changes on protein structure and function output the following: SIFT: "Tolerated"; PolyPhen-2: "Benign"; Align-GVGD: "Class C0". The isoleucine amino acid residue is found in multiple mammalian species, suggesting that this missense change does not adversely affect protein function. These predictions have not been confirmed by published functional studies and their clinical significance is uncertain. In summary, the available evidence is currently insufficient to determine the role of this variant in disease. Therefore, it has been classified as a Variant of Uncertain Significance.

Mayo Clinic Laboratories, Mayo Clinic
Classification: Uncertain significance. Last evaluated: 2020-11-09. Review status: criteria provided, single submitter. Criteria: ACMG Guidelines, 2015. Collection method: clinical testing. Allele origin: germline. Observed: 1 variant allele.